The following is an entry in ClinVar:

NM_014639.4(SKIC3):c.85del (p.Cys29fs)

Gene: SKIC3 (SKI3 subunit of superkiller complex; minus strand). Cytogenetic location: 5q15.
Variant type: Deletion.
Coding change: c.85del on transcript NM_014639.4 (MANE Select); coding-DNA position 85, one base deleted (T; older notation c.85delT).
Protein change: p.Cys29fs; shifts the reading frame from cysteine 29.
Molecular consequence: frameshift variant.
Genome position (GRCh38, 1-based): chr5:95,547,066, A deleted on the plus strand (T on the coding strand, the reverse complement: SKIC3 is on the minus strand). VCF-style (leftmost placement, unchanged base first): chr5-95547065-CA-C. GRCh37 (hg19) VCF-style: chr5-94882769-CA-C.
Other names: short protein forms C29fs.
Identifiers: ClinVar variation 2498975 (VCV002498975.28), dbSNP rs2530815080, ClinGen allele CA2580073816.

ClinVar aggregate classification (germline): Pathogenic (1 of 4 stars; one submission).

Submission:

CeGaT Center for Human Genetics Tuebingen
Classification: Pathogenic. Last evaluated: 2023-03-01. Review status: criteria provided, single submitter. Criteria: CeGaT Center For Human Genetics Tuebingen Variant Classification Criteria Version 2. Collection method: clinical testing. Allele origin: germline. Affected: yes. Observed: 1 variant allele.
Comment: SKIC3: PVS1, PM2